The following is an entry in ClinVar:

ClinVar aggregate classification (germline): Uncertain significance (1 of 4 stars; one submission).

Submission:

Labcorp Genetics (formerly Invitae), Labcorp
Classification: Uncertain significance. Last evaluated: 2024-04-15. Review status: criteria provided, single submitter. Criteria: Invitae Variant Classification Sherloc (09022015). Collection method: clinical testing. Allele origin: germline.
Comment: This sequence change replaces alanine, which is neutral and non-polar, with valine, which is neutral and non-polar, at codon 211 of the GALNT12 protein (p.Ala211Val). This variant is not present in population databases (gnomAD no frequency). This variant has not been reported in the literature in individuals affected with GALNT12-related conditions. ClinVar contains an entry for this variant (Variation ID: 1506381). Advanced modeling of protein sequence and biophysical properties (such as structural, functional, and spatial information, amino acid conservation, physicochemical variation, residue mobility, and thermodynamic stability) performed at Invitae indicates that this missense variant is expected to disrupt GALNT12 protein function with a positive predictive value of 80%. In summary, the available evidence is currently insufficient to determine the role of this variant in disease. Therefore, it has been classified as a Variant of Uncertain Significance.

NM_024642.5(GALNT12):c.632C>T (p.Ala211Val)

Gene: GALNT12 (polypeptide N-acetylgalactosaminyltransferase 12; plus strand). Cytogenetic location: 9q22.33.
Variant type: single nucleotide variant.
Coding change: c.632C>T on transcript NM_024642.5 (MANE Select); coding-DNA position 632, C replaced by T.
Protein change: p.Ala211Val; replaces alanine 211 with valine.
Molecular consequence: missense variant.
Genome position (GRCh38, 1-based): chr9:98,826,842, C>T. VCF-style: chr9-98826842-C-T. GRCh37 (hg19) VCF-style: chr9-101589124-C-T.
Other names: short protein forms A211V.
Identifiers: ClinVar variation 1506381 (VCV001506381.8), dbSNP rs1308828909, ClinGen allele CA374217559.